The following is an entry in ClinVar:

ClinVar aggregate classification (germline): Uncertain significance (1 of 4 stars; one submission).

Submission:

GeneDx
Classification: Uncertain significance. Last evaluated: 2024-03-09. Review status: criteria provided, single submitter. Criteria: GeneDx Variant Classification Process June 2021. Collection method: clinical testing. Allele origin: germline. Affected: yes.
Comment: Not observed at significant frequency in large population cohorts (gnomAD); In silico analysis supports that this missense variant does not alter protein structure/function; Has not been previously published as pathogenic or benign to our knowledge

NM_001378120.1(MBD5):c.2190G>T (p.Leu730Phe)

Gene: MBD5 (methyl-CpG binding domain protein 5; plus strand). Cytogenetic location: 2q23.1.
Variant type: single nucleotide variant.
Coding change: c.2190G>T on transcript NM_001378120.1 (MANE Select); coding-DNA position 2190, G replaced by T.
Protein change: p.Leu730Phe; replaces leucine 730 with phenylalanine.
Molecular consequence: missense variant.
Genome position (GRCh38, 1-based): chr2:148,470,133, G>T. VCF-style: chr2-148470133-G-T. GRCh37 (hg19) VCF-style: chr2-149227702-G-T.
Other names: c.2190G>T, p.Leu730Phe (NM_018328.5); short protein forms L730F.
Identifiers: ClinVar variation 3370809 (VCV003370809.1).